The following is an entry in ClinVar:

NM_000171.4(GLRA1):c.47T>C (p.Val16Ala)

Gene: GLRA1 (glycine receptor alpha 1; minus strand). Cytogenetic location: 5q33.1.
Variant type: single nucleotide variant.
Coding change: c.47T>C on transcript NM_000171.4 (MANE Select); coding-DNA position 47, T replaced by C.
Protein change: p.Val16Ala; replaces valine 16 with alanine.
Molecular consequence: missense variant. On other transcripts: 5 prime UTR variant (1).
Genome position (GRCh38, 1-based): chr5:151,924,503, A>G on the plus strand (T>C on the coding strand, the complement: GLRA1 is on the minus strand). VCF-style: chr5-151924503-A-G. GRCh37 (hg19) VCF-style: chr5-151304064-A-G.
Other names: c.47T>C, p.Val16Ala (NM_001146040.2); c.-75T>C (NM_001292000.2); c.47T>C (NM_000171.3); short protein forms V16A.
Identifiers: ClinVar variation 1902274 (VCV001902274.7), dbSNP rs776026097, ClinGen allele CA3523805.

ClinVar aggregate classification (germline): Uncertain significance. Review status: criteria provided, multiple submitters, no conflicts (2 of 4 stars). 3 submissions from 3 submitters: Uncertain significance (3). Last evaluated 2025-09-01.

Conditions:
Hereditary hyperekplexia. Identifiers: Orphanet 3197, MedGen C4084968, MONDO:0021022.
Inborn genetic diseases. Identifiers: MedGen C0950123, MeSH D030342.

Allele frequency attached by ClinVar (database versions not stated): ExAC 0.00001; gnomAD 0.00001; gnomAD exomes 0.00001; TOPMed 0.00001.
gnomAD v4.1: 22 of 1,592,900 alleles (0.0014%); highest among the groups gnomAD compares: Non-Finnish European, 0.0017%; no homozygotes.

Submissions (3):

Ambry Genetics
Classification: Uncertain significance for Inborn genetic diseases. Last evaluated: 2025-09-01. Review status: criteria provided, single submitter. Criteria: Ambry Variant Classification Scheme 2023. Collection method: clinical testing. Allele origin: germline.

Labcorp Genetics (formerly Invitae), Labcorp
Classification: Uncertain significance for Hereditary hyperekplexia. Last evaluated: 2024-10-16. Review status: criteria provided, single submitter. Criteria: Invitae Variant Classification Sherloc (09022015). Collection method: clinical testing. Allele origin: germline.
Comment: This sequence change replaces valine, which is neutral and non-polar, with alanine, which is neutral and non-polar, at codon 16 of the GLRA1 protein (p.Val16Ala). This variant is present in population databases (rs776026097, gnomAD 0.0009%). This variant has not been reported in the literature in individuals affected with GLRA1-related conditions. ClinVar contains an entry for this variant (Variation ID: 1902274). Invitae Evidence Modeling of protein sequence and biophysical properties (such as structural, functional, and spatial information, amino acid conservation, physicochemical variation, residue mobility, and thermodynamic stability) indicates that this missense variant is not expected to disrupt GLRA1 protein function with a negative predictive value of 95%. In summary, the available evidence is currently insufficient to determine the role of this variant in disease. Therefore, it has been classified as a Variant of Uncertain Significance.

Women's Health and Genetics/Laboratory Corporation of America, LabCorp
Classification: Uncertain significance. Last evaluated: 2024-06-12. Review status: criteria provided, single submitter. Criteria: LabCorp Variant Classification Summary - May 2015. Collection method: clinical testing. Allele origin: germline.
Comment: Variant summary: GLRA1 c.47T>C (p.Val16Ala) results in a non-conservative amino acid change in the encoded protein sequence. Three of five in-silico tools predict a benign effect of the variant on protein function. The variant allele was found at a frequency of 8e-06 in 251262 control chromosomes (gnomAD). The available data on variant occurrences in the general population are insufficient to allow any conclusion about variant significance. To our knowledge, no occurrence of c.47T>C in individuals affected with Hyperekplexia 1 and no experimental evidence demonstrating its impact on protein function have been reported. ClinVar contains an entry for this variant (Variation ID: 1902274). Based on the evidence outlined above, the variant was classified as uncertain significance.